The following is an entry in ClinVar:

ClinVar aggregate classification (germline): Uncertain significance. Review status: criteria provided, multiple submitters, no conflicts (2 of 4 stars). 6 submissions from 6 submitters: Uncertain significance (6). Last evaluated 2026-02-11.

Conditions:
Hereditary cancer-predisposing syndrome. Also called: Neoplastic Syndromes, Hereditary; Tumor predisposition; Hereditary neoplastic syndrome; Hereditary Cancer Syndrome. Identifiers: Orphanet 140162, MedGen C0027672, MeSH D009386, MONDO:0015356.
Cardiovascular phenotype. Identifiers: MedGen CN230736.
Noonan syndrome 10 (NS10). Identifiers: Orphanet 648, MedGen C4225280, MONDO:0014693, OMIM 616564.
LZTR1-related schwannomatosis. Also called: Schwannomatosis-2, susceptibility to; Schwannomatosis 2. Identifiers: Orphanet 93921, MedGen C3810283, MONDO:0014299, OMIM 615670.

Allele frequency attached by ClinVar (database versions not stated): ExAC 0.00002; gnomAD exomes 0.00002; gnomAD 0.00006; TOPMed 0.00007.
gnomAD v4.1: 23 of 1,613,258 alleles (0.0014%); highest among the groups gnomAD compares: African/African-American, 0.016%; no homozygotes.

Submissions (6):

St. Jude Molecular Pathology, St. Jude Children's Research Hospital
Classification: Uncertain significance for Noonan syndrome 10. Last evaluated: 2026-02-11. Review status: criteria provided, single submitter. Criteria: St. Jude Assertion Criteria 2020. Collection method: clinical testing. Allele origin: germline.
Comment: The LZTR1 c.1852G>A (p.Glu618Lys) missense change has a maximum subpopulation frequency of 0.016% in gnomAD v2.1.1. The in silico tool REVEL is inconclusive about a pathogenic or benign effect of this variant on protein function, and to our knowledge functional studies have not been performed. To our knowledge, this variant has not been reported in individuals with Noonan syndrome or Schwannomatosis. In summary, the evidence currently available is insufficient to determine the clinical significance of this variant. It has therefore been classified as of uncertain significance.

Labcorp Genetics (formerly Invitae), Labcorp
Classification: Uncertain significance. Last evaluated: 2025-12-10. Review status: criteria provided, single submitter. Criteria: Invitae Variant Classification Sherloc (09022015). Collection method: clinical testing. Allele origin: germline.
Comment: This sequence change replaces glutamic acid, which is acidic and polar, with lysine, which is basic and polar, at codon 618 of the LZTR1 protein (p.Glu618Lys). The frequency data for this variant in the population databases is considered unreliable, as metrics indicate poor data quality at this position in the gnomAD database. This variant has not been reported in the literature in individuals affected with LZTR1-related conditions. ClinVar contains an entry for this variant (Variation ID: 1352204). Invitae Evidence Modeling of protein sequence and biophysical properties (such as structural, functional, and spatial information, amino acid conservation, physicochemical variation, residue mobility, and thermodynamic stability) indicates that this missense variant is not expected to disrupt LZTR1 protein function with a negative predictive value of 80%. In summary, the available evidence is currently insufficient to determine the role of this variant in disease. Therefore, it has been classified as a Variant of Uncertain Significance.

Women's Health and Genetics/Laboratory Corporation of America, LabCorp
Classification: Uncertain significance. Last evaluated: 2025-09-03. Review status: criteria provided, single submitter. Criteria: LabCorp Variant Classification Summary - May 2015. Collection method: clinical testing. Allele origin: germline.
Comment: Variant summary: LZTR1 c.1852G>A (p.Glu618Lys) results in a conservative amino acid change in the encoded protein sequence. Algorithms developed to predict the effect of missense changes on protein structure and function are either unavailable or do not agree on the potential impact of this missense change. The variant allele was found at a frequency of 1.6e-05 in 251174 control chromosomes. The available data on variant occurrences in the general population are insufficient to allow any conclusion about variant significance. To our knowledge, no occurrence of c.1852G>A in individuals affected with LZTR1-related conditions and no experimental evidence demonstrating its impact on protein function have been reported. ClinVar contains an entry for this variant (Variation ID: 1352204). Based on the evidence outlined above, the variant was classified as uncertain significance.

Ambry Genetics
Classification: Uncertain significance for Cardiovascular phenotype; Hereditary cancer-predisposing syndrome. Last evaluated: 2025-08-19. Review status: criteria provided, single submitter. Criteria: Ambry Variant Classification Scheme 2023. Collection method: clinical testing. Allele origin: germline.
Comment: The p.E618K variant (also known as c.1852G>A), located in coding exon 16 of the LZTR1 gene, results from a G to A substitution at nucleotide position 1852. The glutamic acid at codon 618 is replaced by lysine, an amino acid with similar properties. This amino acid position is highly conserved in available vertebrate species. In addition, this alteration is predicted to be deleterious by in silico analysis. Since supporting evidence is limited at this time, the clinical significance of this alteration remains unclear.

Mayo Clinic Laboratories, Mayo Clinic
Classification: Uncertain significance. Last evaluated: 2024-06-20. Review status: criteria provided, single submitter. Criteria: ACMG Guidelines, 2015. Collection method: clinical testing. Allele origin: germline. Observed: 1 variant allele.

Baylor Genetics
Classification: Uncertain significance for LZTR1-related schwannomatosis. Last evaluated: 2023-10-26. Review status: criteria provided, single submitter. Criteria: ACMG Guidelines, 2015. Collection method: clinical testing. Allele origin: unknown.

NM_006767.4(LZTR1):c.1852G>A (p.Glu618Lys)

Gene: LZTR1 (leucine zipper like post translational regulator 1; plus strand). Cytogenetic location: 22q11.21.
Variant type: single nucleotide variant.
Coding change: c.1852G>A on transcript NM_006767.4 (MANE Select); coding-DNA position 1852, G replaced by A.
Protein change: p.Glu618Lys; replaces glutamic acid 618 with lysine.
Molecular consequence: missense variant.
Genome position (GRCh38, 1-based): chr22:20,994,936, G>A. VCF-style: chr22-20994936-G-A. GRCh37 (hg19) VCF-style: chr22-21349225-G-A.
Other names: p.Glu618Lys; short protein forms E618K.
Identifiers: ClinVar variation 1352204 (VCV001352204.17), dbSNP rs766345180, ClinGen allele CA10119088.
Genomic context (GRCh38, chr22:20,994,936, plus strand): 5'-TGCCTGAACTTCGTGGTAAAGGAGTCCCACTTCAACCAGGTGATCATGATGAAGGAGTTC[G>A]AGCGCCTCTCCTCTCCACTGATAGTGGAGATTGTGCGGCGGAAGCAGCAGCCGCCCCCTC-3'
Protein context (NP_006758.2, residues 608-628): FNQVIMMKEF[Glu618Lys]RLSSPLIVEI